The following is an entry in ClinVar:

ClinVar aggregate classification (germline): Benign. Review status: criteria provided, multiple submitters, no conflicts (2 of 4 stars). 4 submissions from 4 submitters: Benign (4). Last evaluated 2024-07-15.

Conditions:
Nephrotic syndrome, type 2 (NPHS2). Also called: NEPHROTIC SYNDROME, STEROID-RESISTANT, AUTOSOMAL RECESSIVE. Identifiers: Orphanet 656, MedGen C1868672, MONDO:0010974, OMIM 600995.

Allele frequency attached by ClinVar (database versions not stated): 1000 Genomes Project 0.13339; 1000 Genomes Project 30x 0.13616; TOPMed 0.18848; ESP Exome Variant Server 0.20162; gnomAD 0.20223 and 0.20332; gnomAD exomes 0.23762; ExAC 0.28324.
gnomAD v4.1: 380,251 of 1,505,300 alleles (25%); highest among the groups gnomAD compares: Non-Finnish European, 27%; 50,838 homozygotes.

Submissions (4):

Unidad de Genómica Garrahan, Hospital de Pediatría Garrahan
Classification: Benign. Last evaluated: 2024-07-15. Review status: criteria provided, single submitter. Criteria: ACMG Guidelines, 2015. Collection method: clinical testing. Allele origin: germline. Affected: no. Observed: 38 variant alleles.
Comment: This variant is classified as Benign based on local population frequency. This variant was detected in 41% of patients studied in a panel designed for Epileptic and Developmental Encephalopathy and Progressive Myoclonus Epilepsy. Number of patients: 38. Only high quality variants are reported.

Genome-Nilou Lab
Classification: Benign for Nephrotic syndrome, type 2. Last evaluated: 2021-07-08. Review status: criteria provided, single submitter. Criteria: ACMG Guidelines, 2015. Collection method: clinical testing. Allele origin: germline. Affected: no.

GeneDx
Classification: Benign. Last evaluated: 2018-11-12. Review status: criteria provided, single submitter. Criteria: GeneDx Variant Classification Process June 2021. Collection method: clinical testing. Allele origin: germline. Affected: yes.

Breakthrough Genomics
Classification: Benign. Review status: criteria provided, single submitter. Criteria: ACMG Guidelines, 2015. Collection method: not provided. Allele origin: germline. Inheritance: Autosomal recessive inheritance. Affected: yes.

NM_014625.4(NPHS2):c.452-21C>T

Gene: NPHS2 (NPHS2 stomatin family member, podocin; minus strand). Cytogenetic location: 1q25.2.
Variant type: single nucleotide variant.
Coding change: c.452-21C>T on transcript NM_014625.4 (MANE Select); 21 bases into the intron before coding-DNA position 452, C replaced by T.
Molecular consequence: intron variant.
Genome position (GRCh38, 1-based): chr1:179,559,782, G>A on the plus strand (C>T on the coding strand, the complement: NPHS2 is on the minus strand). VCF-style: chr1-179559782-G-A. GRCh37 (hg19) VCF-style: chr1-179528917-G-A.
Other names: c.452-21C>T (NM_001297575.2).
Identifiers: ClinVar variation 1180466 (VCV001180466.8), dbSNP rs12401708, ClinGen allele CA1267208.
Genomic context (GRCh38, chr1:179,559,782, plus strand): 5'-TTGTGGTAGGTATCCAGGCAGGGCAAAAAAAAGAAAAGACCTAAAAGAGAGGAGGAGGAA[G>A]TGACAGATAAATAGCTAGCATGAAGGCTGTTTGGGTTTCACCTTTCTGGGGTCAGGTTGC-3'